The following is an entry in ClinVar:

NM_001384732.1(CPLANE1):c.247G>T (p.Gly83Ter)

Gene: CPLANE1 (ciliogenesis and planar polarity effector complex subunit 1; minus strand). Cytogenetic location: 5p13.2.
Variant type: single nucleotide variant.
Coding change: c.247G>T on transcript NM_001384732.1 (MANE Select); coding-DNA position 247, G replaced by T.
Protein change: p.Gly83Ter; replaces glycine 83 with a stop codon.
Molecular consequence: nonsense.
Genome position (GRCh38, 1-based): chr5:37,245,569, C>A on the plus strand (G>T on the coding strand, the complement: CPLANE1 is on the minus strand). VCF-style: chr5-37245569-C-A. GRCh37 (hg19) VCF-style: chr5-37245671-C-A.
Other names: c.247G>T, p.Gly83Ter (NM_023073.4); short protein forms G83*.
Identifiers: ClinVar variation 520682 (VCV000520682.5), dbSNP rs1554117456, ClinGen allele CA359523586.

ClinVar aggregate classification (germline): Pathogenic/Likely pathogenic. Review status: criteria provided, multiple submitters, no conflicts (2 of 4 stars). 3 submissions from 3 submitters: Pathogenic (2); Likely pathogenic (1). Last evaluated 2024-03-26.

Conditions:
Joubert syndrome and related disorders. Identifiers: Orphanet 140874, MedGen C5679612, MONDO:0015369.
Inborn genetic diseases. Identifiers: MedGen C0950123, MeSH D030342.
Joubert syndrome 17 (JBTS17). Identifiers: Orphanet 475, MedGen C3553264, MONDO:0013824, OMIM 614615.
Orofaciodigital syndrome type 6 (OFD6). Also called: OROFACIODIGITAL SYNDROME VI; OFDS VI; POLYDACTYLY, CLEFT LIP/PALATE OR LINGUAL LUMP, AND PSYCHOMOTOR RETARDATION; VARADI SYNDROME; VARADI-PAPP SYNDROME; Oral-facial-digital syndrome type 6. Identifiers: Orphanet 2754, MedGen C2745997, MONDO:0010176, OMIM 277170.

Allele frequency attached by ClinVar (database versions not stated): gnomAD exomes below 0.00001 and 0.00001.
gnomAD v4.1: 1 of 1,525,294 alleles (0.000066%); highest among the groups gnomAD compares: East Asian, 0.0025%; no homozygotes.

Submissions (3):

Fulgent Genetics
Classification: Pathogenic for Orofaciodigital syndrome type 6; Joubert syndrome 17. Last evaluated: 2024-03-26. Review status: criteria provided, single submitter. Criteria: ACMG Guidelines, 2015. Collection method: clinical testing. Allele origin: germline.

Women's Health and Genetics/Laboratory Corporation of America, LabCorp
Classification: Likely pathogenic for Joubert syndrome and related disorders. Last evaluated: 2022-11-29. Review status: criteria provided, single submitter. Criteria: LabCorp Variant Classification Summary - May 2015. Collection method: clinical testing. Allele origin: germline.
Comment: Variant summary: CPLANE1 c.247G>T (p.Gly83X) results in a premature termination codon, predicted to cause a truncation of the encoded protein or absence of the protein due to nonsense mediated decay, which are commonly known mechanisms for disease. Truncations downstream of this position have been classified as pathogenic by our laboratory. The variant allele was found at a frequency of 7e-06 in 142460 control chromosomes. To our knowledge, no occurrence of c.247G>T in individuals affected with Joubert Syndrome And Related Disorders and no experimental evidence demonstrating its impact on protein function have been reported. One clinical diagnostic laboratory has submitted clinical-significance assessments for this variant to ClinVar after 2014 without evidence for independent evaluation, classifying the variant as pathogenic. Based on the evidence outlined above, the variant was classified as likely pathogenic.

Ambry Genetics
Classification: Pathogenic for Hereditary disease. Last evaluated: 2015-05-15. Review status: criteria provided, single submitter. Criteria: ambry_reporting_categories_2017. Collection method: clinical testing. Allele origin: germline. Affected: yes. Observed: 1 heterozygote. Segregation with disease observed.
Comment: Lines of evidence used in support of classification: UNCERTAIN: Alteration(s) of Uncertain Clinical Significance Detected

Literature cited by the submitters: PubMed 22425360 (cited by Ambry Genetics); PubMed 25407461 (cited by Ambry Genetics); PubMed 22236771 (cited by Ambry Genetics); PubMed 24178751 (cited by Ambry Genetics); PubMed 21679365 (cited by Ambry Genetics); PubMed 25846457 (cited by Ambry Genetics).